The following is an entry in ClinVar:

NM_000218.3(KCNQ1):c.1031C>T (p.Ala344Val)

Gene: KCNQ1 (potassium voltage-gated channel subfamily Q member 1; plus strand). Cytogenetic location: 11p15.5.
Variant type: single nucleotide variant.
Coding change: c.1031C>T on transcript NM_000218.3 (MANE Select); coding-DNA position 1031, C replaced by T.
Protein change: p.Ala344Val; replaces alanine 344 with valine.
Molecular consequence: missense variant.
Genome position (GRCh38, 1-based): chr11:2,583,544, C>T. VCF-style: chr11-2583544-C-T. GRCh37 (hg19) VCF-style: chr11-2604774-C-T.
Other names: c.1031C>T (LRG_287t1); c.1031C>T, p.Ala344Val (NM_001406836.1); c.761C>T, p.Ala254Val (NM_001406837.1); c.587C>T, p.Ala196Val (NM_001406838.1); c.650C>T, p.Ala217Val (NM_181798.2); short protein forms A344V, A217V, A196V, A254V.
Identifiers: ClinVar variation 52936 (VCV000052936.32), dbSNP rs199472763, ClinGen allele CA004967.

ClinVar aggregate classification (germline): Pathogenic. Review status: criteria provided, multiple submitters, no conflicts (2 of 4 stars). 17 submissions from 17 submitters: Pathogenic (16). 1 of the submissions does not count toward it. Last evaluated 2026-04-27.

Conditions:
KCNQ1-related disorder. Also called: KCNQ1-related condition; KCNQ1-related disorders. Identifiers: MedGen CN239322.
Cardiovascular phenotype. Identifiers: MedGen CN230736.
Cardiac arrhythmia. Also called: Arrhythmia; Cardiac rhythm disease. Identifiers: MedGen C0003811, MONDO:0007263, HP:0011675.
Familial long QT syndrome (RWS). Also called: Congenital long QT syndrome; Romano-Ward syndrome; VENTRICULAR FIBRILLATION WITH PROLONGED QT INTERVAL. Identifiers: Orphanet 768, MedGen C1141890, MONDO:0019171.
Atrial fibrillation, familial, 3 (ATFB3). Identifiers: MedGen C1837014, MONDO:0011857, OMIM 607554.
Long QT syndrome 1 (LQT1). Identifiers: Orphanet 101016, Orphanet 768, MedGen C4551647, MONDO:0100316, OMIM 192500, MONDO:0008646.
Jervell and Lange-Nielsen syndrome 1 (JLNS1). Also called: CARDIOAUDITORY SYNDROME OF JERVELL AND LANGE-NIELSEN; DEAFNESS, CONGENITAL, AND FUNCTIONAL HEART DISEASE; PROLONGED QT INTERVAL IN EKG AND SUDDEN DEATH; SURDO-CARDIAC SYNDROME. Identifiers: Orphanet 768, Orphanet 90647, MedGen C4551509, MONDO:0024540, OMIM 220400.
Short QT syndrome type 2. Identifiers: Orphanet 51083, MedGen C1865019, MONDO:0012313, OMIM 609621.
Long QT syndrome (LQTS). Identifiers: MedGen C0023976, MeSH D008133, MONDO:0002442. Disease mechanism: loss of function. Inheritance: Various modes of inheritance.

Allele frequency attached by ClinVar (database versions not stated): gnomAD 0.00001; gnomAD exomes 0.00001; TOPMed below 0.00001.
gnomAD v4.1: 9 of 1,607,638 alleles (0.00056%); highest among the groups gnomAD compares: African/African-American, 0.0013%; no homozygotes.

Submissions 1 to 7 of 17:

Dasa
Classification: Pathogenic. Last evaluated: 2026-04-27. Review status: criteria provided, single submitter. Criteria: DASA Assertion Criteria. Collection method: clinical testing. Allele origin: germline.
Comment: NM_000218.3(KCNQ1):c.1031C>T (p.Ala344Val) is a missense variant that results in the substitution of alanine with valine. The affected residue or protein region has prior evidence supporting clinical relevance. Functional evidence supports a deleterious effect on the gene or gene product (PMID: 16931984; PMID: 32797034; PMID: 33504163; PMID: 9386136; PMID: 9570196). This variant has been recurrently observed in individuals with related phenotype (PMID: 16931984; PMID: 32797034; PMID: 33504163; PMID: 9386136; PMID: 9570196). Multiple computational predictions support a deleterious effect on the gene or gene product. The variant is present at low frequency in population datasets. Based on the available data, this variant is classified as pathogenic.

Labcorp Genetics (formerly Invitae), Labcorp
Classification: Pathogenic for Long QT syndrome. Last evaluated: 2026-01-26. Review status: criteria provided, single submitter. Criteria: Invitae Variant Classification Sherloc (09022015). Collection method: clinical testing. Allele origin: germline.
Comment: This sequence change replaces alanine, which is neutral and non-polar, with valine, which is neutral and non-polar, at codon 344 of the KCNQ1 protein (p.Ala344Val). This variant is not present in population databases (gnomAD no frequency). This missense change has been observed in individuals with long QT syndrome (PMID: 9386136, 16922724, 17088455, 17470695, 19490272, 24217263). ClinVar contains an entry for this variant (Variation ID: 52936). Invitae Evidence Modeling of protein sequence and biophysical properties (such as structural, functional, and spatial information, amino acid conservation, physicochemical variation, residue mobility, and thermodynamic stability) has been performed for this missense variant. However, the output from this modeling did not meet the statistical confidence thresholds required to predict the impact of this variant on KCNQ1 protein function. Experimental studies have shown that this missense change affects KCNQ1 function (PMID: 16931984). For these reasons, this variant has been classified as Pathogenic.

Ambry Genetics
Classification: Pathogenic for Cardiovascular phenotype. Last evaluated: 2025-07-25. Review status: criteria provided, single submitter. Criteria: Ambry Variant Classification Scheme 2023. Collection method: clinical testing. Allele origin: germline.
Comment: The p.A344V pathogenic mutation (also known as c.1031C>T), located in coding exon 7 of the KCNQ1 gene, results from a C to T substitution at nucleotide position 1031. The alanine at codon 344 is replaced by valine, an amino acid with similar properties. This variant was reported in individual(s) with features consistent with long QT syndrome (LQTS) (Donger C et al. Circulation. 1997;96(9):2778-81; Choi G et al. Circulation. 2004;110(15):2119-24; Shimizu W et al. J. Am. Coll. Cardiol. 2004;44:117-25; Tester DJ et al. Heart Rhythm. 2005;2(5):507-17; Millat G et al. Clin. Genet. 2006;70(3):214-27; Moss AJ et al. Circulation. 2007;115(19):2481-9; Kapplinger JD et al. Heart Rhythm. 2009;6(9):1297-303; Schwartz PJ et al. Eur Heart J. 2021 12;42(46):4743-4755). This variant has also been detected in the homozygous state in several individuals with severe LQTS phenotypes reminiscent recessive Jervell and Lange-Nielsen syndrome (JLNS), but without hearing loss (Al-Hassnan ZN et al. Heart Rhythm. 2017;epub; Bdier AT et al. Mol Gen & Gen Med. 2017:epub). Asymptomatic heterozygous carriers of this variant have also been detected, suggesting it may result in a mild phenotype and/or exhibit reduced penetrance in the heterozygous state in some cases (Al-Hassnan ZN et al. Heart Rhythm. 2017;epub; Schwartz PJ et al. Eur Heart J. 2021 12;42(46):4743-4755). In multiple assays testing KCNQ1 function, this variant showed functionally abnormal results (Siebrands CC et al. Anesthesiology. 2006 Sep;105(3):511-20; Heijman J et al. Circ. Res. 2012 Jan;110(2):211-9; Schwartz PJ et al. Eur Heart J. 2021 12;42(46):4743-4755). Based on internal structural analysis, this variant is anticipated to disrupt a region of known function (Sun J et al. Cell. 2020 01;180(2):340-347.e9; Sun J et al. Cell. 2017 Jun;169(6):1042-1050.e9). This amino acid position is highly conserved in available vertebrate species. In addition, this alteration is predicted to be deleterious by in silico analysis. This variant is considered to be rare based on population cohorts in the Genome Aggregation Database (gnomAD). Based on the supporting evidence, this alteration is interpreted as a disease-causing mutation.

Women's Health and Genetics/Laboratory Corporation of America, LabCorp
Classification: Pathogenic for Long QT syndrome. Last evaluated: 2025-04-18. Review status: criteria provided, single submitter. Criteria: LabCorp Variant Classification Summary - May 2015. Collection method: clinical testing. Allele origin: germline.
Comment: Variant summary: KCNQ1 c.1031C>T (p.Ala344Val) results in a non-conservative amino acid change in the Ion transport domain (IPR005821) of the encoded protein sequence. Five of five in-silico tools predict a damaging effect of the variant on protein function. Several computational tools predict a significant impact on normal splicing: Three predict the variant weakens the canonical 5' donor site. One predict the variant creates the canonical 5' donor site. However, these predictions have yet to be confirmed by functional studies. The variant was absent in 251186 control chromosomes. c.1031C>T has been observed at a heterozygous state in multiple families affected with long QT syndrome 1 (examples, Donger_1997 and Schwartz_2021) and at a homozygous state in at least three individuals affected with severe long QT syndrome without hearing loss (example, Al-Hassnan_2017). In the families with homozygous affected, the variant was also observed at a heterozygous state in 7 family members including consanguineous parents, who reported no severe arrhythmic events such as syncope, but the QTC intervals appeared to be prolonged (Al-Hassnan_2017). These data indicate that the variant is very likely to be associated with disease. c.1031C>T has also been observed in multiple unaffected heterozygous individuals (Schwartz_2021), suggesting a reduced penetrance for long QT syndrome. At least one publication reports experimental evidence evaluating an impact on protein function. The most pronounced variant effect results in a voltage-dependent inactivation of the macroscopic current in X. Oocytes and CHO cells (Siebrands_2006). The following publications have been ascertained in the context of this evaluation (PMID: 28438721, 9386136, 34505893, 16931984). ClinVar contains an entry for this variant (Variation ID: 52936). Based on the evidence outlined above, the variant was classified as pathogenic.

Genomic Medicine Center of Excellence, King Faisal Specialist Hospital and Research Centre
Classification: Pathogenic for Long QT syndrome 1. Last evaluated: 2024-12-18. Review status: criteria provided, single submitter. Criteria: ACMG Guidelines, 2015. Collection method: clinical testing. Allele origin: germline.

Mayo Clinic Laboratories, Mayo Clinic
Classification: Pathogenic. Last evaluated: 2024-07-31. Review status: criteria provided, single submitter. Criteria: ACMG Guidelines, 2015. Collection method: clinical testing. Allele origin: germline. Observed: 1 variant allele.
Comment: PP3, PM2, PS3, PS4

Dept of Medical Biology, Uskudar University
Classification: Pathogenic for Long QT syndrome. Last evaluated: 2024-01-08. Review status: criteria provided, single submitter. Criteria: Dept of Medical Biology Variant Classification. Collection method: research. Allele origin: paternal. Affected: yes. Observed: 1 variant allele.
Comment: Criteria: PS4_Strong, PS3_Moderate, PM1, PM2, PP3